The following is an entry in ClinVar:

ClinVar aggregate classification (germline): Likely pathogenic (1 of 4 stars; one submission).

Submission:

Labcorp Genetics (formerly Invitae), Labcorp
Classification: Likely pathogenic. Last evaluated: 2021-11-07. Review status: criteria provided, single submitter. Criteria: Invitae Variant Classification Sherloc (09022015). Collection method: clinical testing. Allele origin: germline.
Comment: This variant is not present in population databases (gnomAD no frequency). In summary, the currently available evidence indicates that the variant is pathogenic, but additional data are needed to prove that conclusively. Therefore, this variant has been classified as Likely Pathogenic. Algorithms developed to predict the effect of sequence changes on RNA splicing suggest that this variant may disrupt the consensus splice site. This variant has not been reported in the literature in individuals affected with ASAH1-related conditions. This sequence change affects a donor splice site in intron 3 of the ASAH1 gene. It is expected to disrupt RNA splicing. Variants that disrupt the donor or acceptor splice site typically lead to a loss of protein function (PMID: 16199547), and loss-of-function variants in ASAH1 are known to be pathogenic (PMID: 24164096, 24355074).

Literature cited by the submitters: PubMed 16199547; PubMed 24164096; PubMed 24355074.

NM_177924.5(ASAH1):c.216+2T>C

Gene: ASAH1 (N-acylsphingosine amidohydrolase 1; minus strand). Cytogenetic location: 8p22.
Variant type: single nucleotide variant.
Coding change: c.216+2T>C on transcript NM_177924.5 (MANE Select); the canonical splice donor site of the intron after coding-DNA position 216, T replaced by C.
Molecular consequence: splice donor variant.
Genome position (GRCh38, 1-based): chr8:18,071,298, A>G on the plus strand (T>C on the coding strand, the complement: ASAH1 is on the minus strand). VCF-style: chr8-18071298-A-G. GRCh37 (hg19) VCF-style: chr8-17928807-A-G.
Other names: c.264+2T>C (NM_004315.6); c.285+2T>C (NM_001127505.3); c.21+2T>C (NM_001363743.2).
Identifiers: ClinVar variation 1485242 (VCV001485242.6), dbSNP rs2117062166, ClinGen allele CA370433870.
Genomic context (GRCh38, chr8:18,071,298, plus strand): 5'-AATAAAGAAATAAAATAAAAAATAAAAATAAAGAAATAAAAGATTTAAGCATCATAGCAT[A>G]CCACTGGTGCCTTGTCAAGCATCAATTCATGCCATCTTTTGTAGGGTGGTAAGTCAAGAT-3'